The following is an entry in ClinVar:

ClinVar aggregate classification (germline): Uncertain significance (1 of 4 stars; one submission).

gnomAD v4.1: 1 of 1,614,090 alleles (0.000062%); highest among the groups gnomAD compares: Non-Finnish European, 0.000085%; no homozygotes.

Submission:

Labcorp Genetics (formerly Invitae), Labcorp
Classification: Uncertain significance. Last evaluated: 2024-03-12. Review status: criteria provided, single submitter. Criteria: Invitae Variant Classification Sherloc (09022015). Collection method: clinical testing. Allele origin: germline.
Comment: This sequence change replaces proline, which is neutral and non-polar, with arginine, which is basic and polar, at codon 1046 of the ALPK3 protein (p.Pro1046Arg). This variant is not present in population databases (gnomAD no frequency). This variant has not been reported in the literature in individuals affected with ALPK3-related conditions. Algorithms developed to predict the effect of missense changes on protein structure and function output the following: SIFT: "Not Available"; PolyPhen-2: "Benign"; Align-GVGD: "Not Available". The arginine amino acid residue is found in multiple mammalian species, which suggests that this missense change does not adversely affect protein function. In summary, the available evidence is currently insufficient to determine the role of this variant in disease. Therefore, it has been classified as a Variant of Uncertain Significance.

NM_020778.5(ALPK3):c.2531C>G (p.Pro844Arg)

Gene: ALPK3 (alpha kinase 3; plus strand). Cytogenetic location: 15q25.3.
Variant type: single nucleotide variant.
Coding change: c.2531C>G on transcript NM_020778.5 (MANE Select); coding-DNA position 2531, C replaced by G.
Protein change: p.Pro844Arg; replaces proline 844 with arginine.
Molecular consequence: missense variant.
Genome position (GRCh38, 1-based): chr15:84,857,269, C>G. VCF-style: chr15-84857269-C-G. GRCh37 (hg19) VCF-style: chr15-85400500-C-G.
Other names: short protein forms P844R.
Identifiers: ClinVar variation 3645427 (VCV003645427.2).